The following is an entry in ClinVar:

NM_015665.6(AAAS):c.810+1G>A

Gene: AAAS (aladin WD repeat nucleoporin; minus strand). Cytogenetic location: 12q13.13.
Variant type: single nucleotide variant.
Coding change: c.810+1G>A on transcript NM_015665.6 (MANE Select); the canonical splice donor site of the intron after coding-DNA position 810, G replaced by A.
Molecular consequence: splice donor variant.
Genome position (GRCh38, 1-based): chr12:53,309,600, C>T on the plus strand (G>A on the coding strand, the complement: AAAS is on the minus strand). VCF-style: chr12-53309600-C-T. GRCh37 (hg19) VCF-style: chr12-53703384-C-T.
Other names: c.711+1G>A (NM_001173466.2).
Identifiers: ClinVar variation 1934393 (VCV001934393.7), dbSNP rs1305442000, ClinGen allele CA385042176.
Genomic context (GRCh38, chr12:53,309,600, plus strand): 5'-ACCGAGTGAGGAACACTTTTGCCAGGACTGAAATGTGCATGAGGGGCAGGGACCCACTCA[C>T]CCGGATAGCAGCATCCACGGGTGAAGCTGAGAGCAGCCGCCCCCCACTGGGGGCCCAGGC-3'

ClinVar aggregate classification (germline): Pathogenic/Likely pathogenic. Review status: criteria provided, multiple submitters, no conflicts (2 of 4 stars). 3 submissions from 3 submitters: Pathogenic (1); Likely pathogenic (2). Last evaluated 2024-06-05.

Conditions:
Glucocorticoid deficiency with achalasia (AAAS). Also called: ALACRIMA-ACHALASIA-ADRENAL INSUFFICIENCY NEUROLOGIC DISORDER; AAA syndrome; Allgrove syndrome; Addisonian achalasia syndrome; Achalasia-addisonianism-alacrimia syndrome; Achalasia-Addisonianism-Alacrima (Triple-A) Syndrome. Identifiers: Orphanet 869, MedGen C0271742, MONDO:0009279, OMIM 231550.

Allele frequency attached by ClinVar (database versions not stated): gnomAD 0.00001; gnomAD exomes 0.00001; TOPMed 0.00001.
gnomAD v4.1: 10 of 1,613,626 alleles (0.00062%); highest among the groups gnomAD compares: Non-Finnish European, 0.00085%; no homozygotes.

Submissions (3):

Fulgent Genetics
Classification: Likely pathogenic for Glucocorticoid deficiency with achalasia. Last evaluated: 2024-06-05. Review status: criteria provided, single submitter. Criteria: ACMG Guidelines, 2015. Collection method: clinical testing. Allele origin: germline.

Women's Health and Genetics/Laboratory Corporation of America, LabCorp
Classification: Likely pathogenic for Glucocorticoid deficiency with achalasia. Last evaluated: 2023-11-16. Review status: criteria provided, single submitter. Criteria: LabCorp Variant Classification Summary - May 2015. Collection method: clinical testing. Allele origin: germline.
Comment: Variant summary: AAAS c.810+1G>A is located in a canonical splice-site and is predicted to affect mRNA splicing resulting in a significantly altered protein due to either exon skipping, shortening, or inclusion of intronic material. Several computational tools predict a significant impact on normal splicing: Four predict the variant abolishes a 5' splicing donor site. However, these predictions have yet to be confirmed by functional studies. The variant allele was found at a frequency of 4e-06 in 249456 control chromosomes (gnomAD). The available data on variant occurrences in the general population are insufficient to allow any conclusion about variant significance. c.810+1G>A has been reported in the literature in at least one compound heterozygous individual affected with Glucocorticoid Deficiency With Achalasia (e.g., Brooks_2005). These data do not allow any conclusion about variant significance. To our knowledge, no experimental evidence demonstrating an impact on protein function has been reported. The following publication was ascertained in the context of this evaluation (PMID: 16098009). One submitter has reported clinical-significance assessments for this variant to ClinVar after 2014 and has classified the variant as pathogenic/likely pathogenic. Based on the evidence outlined above, the variant was classified as likely pathogenic.

Labcorp Genetics (formerly Invitae), Labcorp
Classification: Pathogenic. Last evaluated: 2023-03-18. Review status: criteria provided, single submitter. Criteria: Invitae Variant Classification Sherloc (09022015). Collection method: clinical testing. Allele origin: germline.
Comment: For these reasons, this variant has been classified as Pathogenic. Algorithms developed to predict the effect of sequence changes on RNA splicing suggest that this variant may disrupt the consensus splice site. ClinVar contains an entry for this variant (Variation ID: 1934393). Disruption of this splice site has been observed in individuals with achalasia-addisonianism-alacrimia syndrome (PMID: 29180348; Invitae). This variant is present in population databases (no rsID available, gnomAD 0.0009%). This sequence change affects a donor splice site in intron 8 of the AAAS gene. It is expected to disrupt RNA splicing. Variants that disrupt the donor or acceptor splice site typically lead to a loss of protein function (PMID: 16199547), and loss-of-function variants in AAAS are known to be pathogenic (PMID: 11159947).

Literature cited by the submitters: PubMed 16098009 (cited by Women's Health and Genetics/Laboratory Corporation of America, LabCorp); PubMed 29180348 (cited by Labcorp Genetics (formerly Invitae), Labcorp); PubMed 16199547 (cited by Labcorp Genetics (formerly Invitae), Labcorp); PubMed 11159947 (cited by Labcorp Genetics (formerly Invitae), Labcorp).